The following is an entry in ClinVar:

NM_001286445.3(RIPOR2):c.1858-3C>T

Gene: RIPOR2 (RHO family interacting cell polarization regulator 2; minus strand). Cytogenetic location: 6p22.3.
Variant type: single nucleotide variant.
Coding change: c.1858-3C>T on transcript NM_001286445.3 (MANE Select); 3 bases into the intron before coding-DNA position 1858, C replaced by T.
Molecular consequence: intron variant.
Genome position (GRCh38, 1-based): chr6:24,839,275, G>A on the plus strand (C>T on the coding strand, the complement: RIPOR2 is on the minus strand). VCF-style: chr6-24839275-G-A. GRCh37 (hg19) VCF-style: chr6-24839503-G-A.
Other names: c.1771-3C>T (NM_001346031.2, NM_001346032.2); c.1921-3C>T (NM_014722.5).
Identifiers: ClinVar variation 3075834 (VCV003075834.1), dbSNP rs1761398253, ClinGen allele CA2578545177.

ClinVar aggregate classification (germline): Uncertain significance (1 of 4 stars; one submission).

Allele frequency attached by ClinVar (database versions not stated): gnomAD exomes below 0.00001; TOPMed 0.00001.
gnomAD v4.1: 3 of 1,550,938 alleles (0.00019%); highest among the groups gnomAD compares: Non-Finnish European, 0.00017%; no homozygotes.

Submission:

Laboratory for Molecular Medicine, Mass General Brigham Personalized Medicine
Classification: Uncertain significance. Last evaluated: 2021-10-07. Review status: criteria provided, single submitter. Criteria: ACMG Guidelines, 2015. Collection method: clinical testing. Allele origin: germline.
Comment: The c.1921-3C>T variant in RIPOR2 has not been previously reported in individuals with hearing loss and was absent from large population studies. Computational prediction tools do not predict a strong impact on splicing for this variant; however these tools are insufficient to rule out pathogenicity. In summary, the clinical significance of this variant is uncertain. ACMG/AMP Criteria applied: none.